The following is an entry in ClinVar:

ClinVar aggregate classification (germline): Uncertain significance (1 of 4 stars; one submission).

Allele frequency attached by ClinVar (database versions not stated): gnomAD exomes below 0.00001; TOPMed 0.00001.
gnomAD v4.1: 2 of 1,597,068 alleles (0.00013%); highest among the groups gnomAD compares: Admixed American, 0.0033%; no homozygotes.

Submission:

GeneDx
Classification: Uncertain significance. Last evaluated: 2022-11-25. Review status: criteria provided, single submitter. Criteria: GeneDx Variant Classification Process June 2021. Collection method: clinical testing. Allele origin: germline. Affected: yes.
Comment: Not observed at significant frequency in large population cohorts (gnomAD); In silico analysis supports that this missense variant has a deleterious effect on protein structure/function; Has not been previously published as pathogenic or benign to our knowledge

NM_001130021.3(ATP6V0A1):c.1669T>C (p.Phe557Leu)

Gene: ATP6V0A1 (ATPase H+ transporting V0 subunit a1; plus strand). Cytogenetic location: 17q21.2.
Variant type: single nucleotide variant.
Coding change: c.1669T>C on transcript NM_001130021.3 (MANE Select); coding-DNA position 1669, T replaced by C.
Protein change: p.Phe557Leu; replaces phenylalanine 557 with leucine.
Molecular consequence: missense variant.
Genome position (GRCh38, 1-based): chr17:42,499,032, T>C. VCF-style: chr17-42499032-T-C. GRCh37 (hg19) VCF-style: chr17-40651050-T-C.
Other names: c.1690T>C, p.Phe564Leu (NM_001130020.3, NM_001378522.1, NM_001378523.1 and 3 more transcripts); c.1792T>C, p.Phe598Leu (NM_001378530.1, NM_001378533.1, NM_001378551.1 and 1 more transcripts); c.1813T>C, p.Phe605Leu (NM_001378531.1, NM_001378532.1); c.1669T>C, p.Phe557Leu (NM_001378535.1, NM_001378537.1, NM_001378542.1 and 3 more transcripts); c.1561T>C, p.Phe521Leu (NM_001378536.1, NM_001378550.1, NM_001378556.1); c.1540T>C, p.Phe514Leu (NM_001378538.1, NM_001378540.1); c.1510T>C, p.Phe504Leu (NM_001378543.1, NM_001378553.1); c.1459T>C, p.Phe487Leu (NM_001378545.1, NM_001378554.1, NM_001378555.1); and 3 more; short protein forms F475L, F486L, F487L, F497L, F504L, F514L, F521L, F557L.
Identifiers: ClinVar variation 1801033 (VCV001801033.1), dbSNP rs1222072943, ClinGen allele CA399574910.